The following is an entry in ClinVar:

NM_000179.3(MSH6):c.1255C>G (p.Gln419Glu)

Gene: MSH6 (mutS homolog 6; plus strand). Cytogenetic location: 2p16.3.
Variant type: single nucleotide variant.
Coding change: c.1255C>G on transcript NM_000179.3 (MANE Select); coding-DNA position 1255, C replaced by G.
Protein change: p.Gln419Glu; replaces glutamine 419 with glutamic acid.
Molecular consequence: missense variant.
Genome position (GRCh38, 1-based): chr2:47,799,238, C>G. VCF-style: chr2-47799238-C-G. GRCh37 (hg19) VCF-style: chr2-48026377-C-G.
Other names: c.865C>G, p.Gln289Glu (NM_001281492.2); c.349C>G, p.Gln117Glu (NM_001281493.2, NM_001281494.2); short protein forms Q419E, Q117E, Q289E.
Identifiers: ClinVar variation 188341 (VCV000188341.17), dbSNP rs762814792, ClinGen allele CA008379.

ClinVar aggregate classification (germline): Conflicting classifications of pathogenicity. Review status: criteria provided, conflicting classifications (1 of 4 stars). 3 submissions from 3 submitters: Uncertain significance (2); Likely benign (1). Last evaluated 2025-04-28.

Conditions:
Hereditary nonpolyposis colorectal neoplasms. Identifiers: MedGen C0009405, MeSH D003123.
Hereditary cancer-predisposing syndrome. Also called: Hereditary Cancer Syndrome; Neoplastic Syndromes, Hereditary; Hereditary neoplastic syndrome; Tumor predisposition. Identifiers: Orphanet 140162, MedGen C0027672, MeSH D009386, MONDO:0015356.

Allele frequency attached by ClinVar (database versions not stated): gnomAD exomes below 0.00001; ExAC 0.00001.
gnomAD v4.1: 1 of 1,614,140 alleles (0.000062%); highest among the groups gnomAD compares: Non-Finnish European, 0.000085%; no homozygotes.

Submissions (3):

Labcorp Genetics (formerly Invitae), Labcorp
Classification: Likely benign for Hereditary nonpolyposis colorectal neoplasms. Last evaluated: 2025-04-28. Review status: criteria provided, single submitter. Criteria: Invitae Variant Classification Sherloc (09022015). Collection method: clinical testing. Allele origin: germline.

Ambry Genetics
Classification: Uncertain significance for Hereditary cancer-predisposing syndrome. Last evaluated: 2024-05-24. Review status: criteria provided, single submitter. Criteria: Ambry Variant Classification Scheme 2023. Collection method: clinical testing. Allele origin: germline.
Comment: The p.Q419E variant (also known as c.1255C>G), located in coding exon 4 of the MSH6 gene, results from a C to G substitution at nucleotide position 1255. The glutamine at codon 419 is replaced by glutamic acid, an amino acid with highly similar properties. This amino acid position is well conserved in available vertebrate species. In addition, this alteration is predicted to be tolerated by in silico analysis. Since supporting evidence is limited at this time, the clinical significance of this alteration remains unclear.

Color Diagnostics, LLC DBA Color Health
Classification: Uncertain significance for Hereditary cancer-predisposing syndrome. Last evaluated: 2023-12-05. Review status: criteria provided, single submitter. Criteria: ACMG Guidelines, 2015. Collection method: clinical testing. Allele origin: germline.
Comment: This missense variant replaces glutamine with glutamic acid at codon 419 of the MSH6 protein. Computational prediction suggests that this variant may not impact protein structure and function (internally defined REVEL score threshold <= 0.5, PMID: 27666373). To our knowledge, functional studies have not been reported for this variant. This variant has not been reported in individuals affected with MSH6-related disorders in the literature. This variant has been identified in 1/251366 chromosomes in the general population by the Genome Aggregation Database (gnomAD). The available evidence is insufficient to determine the role of this variant in disease conclusively. Therefore, this variant is classified as a Variant of Uncertain Significance.